The following is an entry in ClinVar:

ClinVar aggregate classification (germline): Uncertain significance (1 of 4 stars; one submission).

Allele frequency attached by ClinVar (database versions not stated): gnomAD exomes below 0.00001.
gnomAD v4.1: 2 of 1,614,190 alleles (0.00012%); highest among the groups gnomAD compares: Non-Finnish European, 0.00017%; no homozygotes.

Submission:

Labcorp Genetics (formerly Invitae), Labcorp
Classification: Uncertain significance. Last evaluated: 2024-10-19. Review status: criteria provided, single submitter. Criteria: Invitae Variant Classification Sherloc (09022015). Collection method: clinical testing. Allele origin: germline.
Comment: This sequence change replaces valine, which is neutral and non-polar, with leucine, which is neutral and non-polar, at codon 2313 of the KMT2A protein (p.Val2313Leu). This variant is present in population databases (no rsID available, gnomAD 0.003%). This variant has not been reported in the literature in individuals affected with KMT2A-related conditions. ClinVar contains an entry for this variant (Variation ID: 1962597). Invitae Evidence Modeling of protein sequence and biophysical properties (such as structural, functional, and spatial information, amino acid conservation, physicochemical variation, residue mobility, and thermodynamic stability) indicates that this missense variant is not expected to disrupt KMT2A protein function with a negative predictive value of 95%. In summary, the available evidence is currently insufficient to determine the role of this variant in disease. Therefore, it has been classified as a Variant of Uncertain Significance.

NM_001197104.2(KMT2A):c.6937G>T (p.Val2313Leu)

Gene: KMT2A (lysine methyltransferase 2A; plus strand). Cytogenetic location: 11q23.3.
Variant type: single nucleotide variant.
Coding change: c.6937G>T on transcript NM_001197104.2 (MANE Select); coding-DNA position 6937, G replaced by T.
Protein change: p.Val2313Leu; replaces valine 2313 with leucine.
Molecular consequence: missense variant.
Genome position (GRCh38, 1-based): chr11:118,502,829, G>T. VCF-style: chr11-118502829-G-T. GRCh37 (hg19) VCF-style: chr11-118373544-G-T.
Other names: c.7027G>T, p.Val2343Leu (NM_001412597.1); c.6928G>T, p.Val2310Leu (NM_005933.4); short protein forms V2343L, V2313L, V2310L.
Identifiers: ClinVar variation 1962597 (VCV001962597.5), dbSNP rs1555046255, ClinGen allele CA382803672.